The following is an entry in ClinVar:

ClinVar aggregate classification (germline): Uncertain significance. Review status: criteria provided, multiple submitters, no conflicts (2 of 4 stars). 2 submissions from 2 submitters: Uncertain significance (2). Last evaluated 2025-01-19.

Conditions:
Familial thoracic aortic aneurysm and aortic dissection (TAAD). Also called: Thoracic aortic aneurysms and dissections. Identifiers: Orphanet 91387, MedGen C4707243, MONDO:0019625.
Aortic aneurysm, familial thoracic 7 (AAT7). Also called: AORTIC DISSECTION, FAMILIAL, WITH OR WITHOUT AORTIC ANEURYSM. Identifiers: MedGen C3151077, MONDO:0013418, OMIM 613780.

Allele frequency attached by ClinVar (database versions not stated): gnomAD exomes below 0.00001.
gnomAD v4.1: 3 of 1,614,130 alleles (0.00019%); highest among the groups gnomAD compares: Non-Finnish European, 0.00025%; no homozygotes.

Submissions (2):

Ambry Genetics
Classification: Uncertain significance for Familial thoracic aortic aneurysm and aortic dissection. Last evaluated: 2025-01-19. Review status: criteria provided, single submitter. Criteria: Ambry Variant Classification Scheme 2023. Collection method: clinical testing. Allele origin: germline.
Comment: The p.Q707H variant (also known as c.2121G>C), located in coding exon 12 of the MYLK gene, results from a G to C substitution at nucleotide position 2121. The glutamine at codon 707 is replaced by histidine, an amino acid with highly similar properties. This amino acid position is conserved. In addition, this alteration is predicted to be tolerated by in silico analysis. Based on the available evidence, the clinical significance of this variant remains unclear.

Labcorp Genetics (formerly Invitae), Labcorp
Classification: Uncertain significance for Aortic aneurysm, familial thoracic 7. Last evaluated: 2024-03-16. Review status: criteria provided, single submitter. Criteria: Invitae Variant Classification Sherloc (09022015). Collection method: clinical testing. Allele origin: germline.
Comment: This sequence change replaces glutamine, which is neutral and polar, with histidine, which is basic and polar, at codon 707 of the MYLK protein (p.Gln707His). This variant is not present in population databases (gnomAD no frequency). This variant has not been reported in the literature in individuals affected with MYLK-related conditions. ClinVar contains an entry for this variant (Variation ID: 2152931). Advanced modeling of protein sequence and biophysical properties (such as structural, functional, and spatial information, amino acid conservation, physicochemical variation, residue mobility, and thermodynamic stability) performed at Invitae indicates that this missense variant is not expected to disrupt MYLK protein function with a negative predictive value of 80%. In summary, the available evidence is currently insufficient to determine the role of this variant in disease. Therefore, it has been classified as a Variant of Uncertain Significance.

NM_053025.4(MYLK):c.2121G>C (p.Gln707His)

Gene: MYLK (myosin light chain kinase; minus strand). Cytogenetic location: 3q21.1.
Variant type: single nucleotide variant.
Coding change: c.2121G>C on transcript NM_053025.4 (MANE Select); coding-DNA position 2121, G replaced by C.
Protein change: p.Gln707His; replaces glutamine 707 with histidine.
Molecular consequence: missense variant.
Genome position (GRCh38, 1-based): chr3:123,708,717, C>G on the plus strand (G>C on the coding strand, the complement: MYLK is on the minus strand). VCF-style: chr3-123708717-C-G. GRCh37 (hg19) VCF-style: chr3-123427564-C-G.
Other names: c.2121G>C (NM_053025.3); c.1593G>C, p.Gln531His (NM_001321309.2); c.1914G>C, p.Gln638His (NM_053026.4, NM_053028.4); c.2121G>C, p.Gln707His (NM_053027.4); short protein forms Q638H, Q531H, Q707H.
Identifiers: ClinVar variation 2152931 (VCV002152931.4), dbSNP rs2474302811, ClinGen allele CA354234233.